The following is an entry in ClinVar:

ClinVar aggregate classification (germline): Pathogenic (1 of 4 stars; one submission).

Submission:

Quest Diagnostics Nichols Institute San Juan Capistrano
Classification: Pathogenic. Last evaluated: 2023-03-17. Review status: criteria provided, single submitter. Criteria: ACMG/ClinGen CNV Guidelines, 2019. Collection method: clinical testing. Allele origin: unknown.
Comment: The copy number loss of 7q31.1q31.2 involves numerous protein-coding genes, including FOXP2 (OMIM 605317) and CAV1 (OMIM 601047). Haploinsufficiency of FOXP2 is associated with autosomal dominant speech-language disorder-1 (OMIM 602081, Reuter 2017, Nagy 2021, Rice 2012, Firth 2009, Morgan 2016). Additionally, heterozygous truncating sequence variants of CAV1 have been reported in association with familial partial lipodystrophy type 7 (OMIM 606721), and with primary pulmonary hypertension-3 (OMIM 615343). There are no similar copy number losses of this region in the general populations of the Database of Genomic Variants. Thus, based on current medical literature, this copy number variant (CNV) is classified as pathogenic. References: Firth et al., Am J Hum Genet. 2009 Apr;84(4):524-33. PMID: 19344873 Morgan et al., GeneReviews: [Internet]. Seattle (WA): University of Washington, Seattle; 1993. 2016 Jun 23 [updated 2023 Jan 26]. PMID: 27336128 Nagy et al., Front Pediatr. 2021 Aug 20;9:664548. PMID: 34490154 Reuter et al., J Med Genet. 2017 Jan;54(1):64-72. PMID: 27572252 Rice et al., Am J Med Genet A. 2012 Jan;158A(1):174-81. PMID: 22106036

GRCh37/hg19 7q31.1-31.2(chr7:108967155-116850770)x1

Genes: TES (testin LIM domain protein; plus strand), TFEC (transcription factor EC; minus strand), TMEM168 (transmembrane protein 168; minus strand), ZNF277 (zinc finger protein 277; plus strand), BMT2 (base methyltransferase of 25S rRNA 2 homolog; minus strand) and 17 more. Cytogenetic location: 7q31.1-31.2.
Variant type: copy number loss.
Change: copy number 1 (one copy instead of two) of chr7:108,967,155-116,850,770 (7.88 Mb, GRCh37 coordinates, 1-based), cytogenetic band 7q31.1-31.2.
Identifiers: ClinVar variation 2685262 (VCV002685262.1).